The following is an entry in ClinVar:

ClinVar aggregate classification (germline): Likely benign (1 of 4 stars; one submission).

Allele frequency attached by ClinVar (database versions not stated): TOPMed below 0.00001; gnomAD 0.00002; 1000 Genomes Project 30x 0.00031; 1000 Genomes Project 0.00040.
gnomAD v4.1: 12 of 1,613,904 alleles (0.00074%); highest among the groups gnomAD compares: Middle Eastern, 0.017%; no homozygotes.

Submission:

CeGaT Center for Human Genetics Tuebingen
Classification: Likely benign. Last evaluated: 2023-09-01. Review status: criteria provided, single submitter. Criteria: CeGaT Center For Human Genetics Tuebingen Variant Classification Criteria Version 2. Collection method: clinical testing. Allele origin: germline. Affected: yes. Observed: 1 variant allele.
Comment: ROBO1: BP4, BP7

NM_002941.4(ROBO1):c.4182C>T (p.Asp1394=)

Gene: ROBO1 (roundabout guidance receptor 1; minus strand). Cytogenetic location: 3p12.3.
Variant type: single nucleotide variant.
Coding change: c.4182C>T on transcript NM_002941.4 (MANE Select); coding-DNA position 4182, C replaced by T.
Protein change: p.Asp1394=; no amino-acid change (aspartic acid 1394 retained).
Molecular consequence: synonymous variant.
Genome position (GRCh38, 1-based): chr3:78,617,735, G>A on the plus strand (C>T on the coding strand, the complement: ROBO1 is on the minus strand). VCF-style: chr3-78617735-G-A. GRCh37 (hg19) VCF-style: chr3-78666885-G-A.
Other names: c.4047C>T, p.Asp1349= (NM_001145844.1, NM_133631.4); c.3882C>T, p.Asp1294= (NM_001145845.2).
Identifiers: ClinVar variation 2583015 (VCV002583015.25), dbSNP rs531340562, ClinGen allele CA2498177.